The following is an entry in ClinVar:

NM_020779.4(WDR35):c.*523G>A

Gene: WDR35 (WD repeat domain 35; minus strand). Cytogenetic location: 2p24.1.
Variant type: single nucleotide variant.
Coding change: c.*523G>A on transcript NM_020779.4 (MANE Select); 523 bases downstream of the stop codon, G replaced by A.
Molecular consequence: 3 prime UTR variant.
Genome position (GRCh38, 1-based): chr2:19,913,035, C>T on the plus strand (G>A on the coding strand, the complement: WDR35 is on the minus strand). VCF-style: chr2-19913035-C-T. GRCh37 (hg19) VCF-style: chr2-20112796-C-T.
Other names: c.*523G>A (NM_001006657.2).
Identifiers: ClinVar variation 333365 (VCV000333365.6), dbSNP rs957614, ClinGen allele CA10611913.

ClinVar aggregate classification (germline): Benign. Review status: criteria provided, multiple submitters, no conflicts (2 of 4 stars). 3 submissions from 2 submitters: Benign (3). Last evaluated 2018-01-13.

Conditions:
Cranioectodermal dysplasia 2 (CED2). Identifiers: Orphanet 1515, MedGen C3150874, MONDO:0013323, OMIM 613610.
Short-rib thoracic dysplasia 7 with or without polydactyly (SRTD7). Also called: Short rib polydactyly syndrome 5; SHORT-RIB THORACIC DYSPLASIA 7 WITH POLYDACTYLY. Identifiers: Orphanet 498497, Orphanet 93271, MedGen C3279792, MONDO:0013569, OMIM 614091.

Allele frequency attached by ClinVar (database versions not stated): gnomAD exomes 0.22115; 1000 Genomes Project 0.22923; 1000 Genomes Project 30x 0.23017; TOPMed 0.25320; gnomAD 0.25330 and 0.25621.
gnomAD v4.1: 38,688 of 152,368 alleles (25%); highest among the groups gnomAD compares: African/African-American, 26%; 4,976 homozygotes.

Submissions (3):

Illumina Laboratory Services, Illumina
Classification: Benign for Short-rib thoracic dysplasia 7 with or without polydactyly. Last evaluated: 2018-01-13. Review status: criteria provided, single submitter. Criteria: ICSL Variant Classification Criteria 13 December 2019. Collection method: clinical testing. Allele origin: germline.
Comment: This variant was observed in the ICSL laboratory as part of a predisposition screen in an ostensibly healthy population. It had not been previously curated by ICSL or reported in the Human Gene Mutation Database (HGMD: prior to June 1st, 2018), and was therefore a candidate for classification through an automated scoring system. Utilizing variant allele frequency, disease prevalence and penetrance estimates, and inheritance mode, an automated score was calculated to assess if this variant is too frequent to cause the disease. Based on the score and internal cut-off values, a variant classified as benign is not then subjected to further curation. The score for this variant resulted in a classification of benign for this disease.

Illumina Laboratory Services, Illumina
Classification: Benign for Cranioectodermal dysplasia 2. Last evaluated: 2018-01-13. Review status: criteria provided, single submitter. Criteria: ICSL Variant Classification Criteria 13 December 2019. Collection method: clinical testing. Allele origin: germline.
Comment: the same text as in the submission from Illumina Laboratory Services, Illumina above.

Breakthrough Genomics
Classification: Benign. Review status: criteria provided, single submitter. Criteria: ACMG Guidelines, 2015. Collection method: not provided. Allele origin: germline. Inheritance: Autosomal recessive inheritance. Affected: yes.